The following is an entry in ClinVar:

NM_024721.5(ZFHX4):c.4223_4224del (p.Thr1408fs)

Gene: ZFHX4 (zinc finger homeobox 4; plus strand). Cytogenetic location: 8q21.13.
Variant type: Deletion.
Coding change: c.4223_4224del on transcript NM_024721.5 (MANE Select); coding-DNA positions 4223 to 4224, 2 bases deleted (CT; older notation c.4223_4224delCT).
Protein change: p.Thr1408fs; shifts the reading frame from threonine 1408.
Molecular consequence: frameshift variant.
Genome position (GRCh38, 1-based): chr8:76,851,144-76,851,145, CT deleted. VCF-style (leftmost placement, unchanged base first): chr8-76851143-ACT-A. GRCh37 (hg19) VCF-style: chr8-77763379-ACT-A.
Other names: short protein forms T1408fs.
Identifiers: ClinVar variation 1699190 (VCV001699190.3), dbSNP rs2131940356, ClinGen allele CA2573050751.

ClinVar aggregate classification (germline): Likely pathogenic (1 of 4 stars; one submission).

Conditions:
Neurodevelopmental disorder. Identifiers: MedGen C1535926, MeSH D065886, MONDO:0700092.

Submission:

Victorian Clinical Genetics Services, Murdoch Childrens Research Institute
Classification: Likely pathogenic for Neurodevelopmental disorder. Last evaluated: 2022-02-02. Review status: criteria provided, single submitter. Criteria: ACMG Guidelines, 2015. Collection method: clinical testing. Allele origin: germline. Inheritance: Autosomal dominant inheritance. Affected: yes.
Comment: Based on the classification scheme VCGS_Germline_v1.3.4, this variant is classified as Likely pathogenic. Following criteria are met: 0102 - Loss of function is a known mechanism of disease in this gene and is associated with ZFHX4-related conditions. (I) 0107 - This gene is associated with autosomal dominant disease. (I) 0201 - Variant is predicted to cause nonsense-mediated decay (NMD) and loss of protein (premature termination codon is located at least 54 nucleotides upstream of the final exon-exon junction). (SP) 0251 - This variant is heterozygous. (I) 0301 - Variant is absent from gnomAD (both v2 and v3). (SP) 0701 - Other NMD predicted variants comparable to the one identified in this case have very strong previous evidence for pathogenicity (DECIPHER, PMID: 33057194). The majority of these are from a study with a large developmental delay cohort where phenotypic information on the individuals with NMD predicted variants is limited (PMID: 33057194). (SP) 0807 - This variant has no previous evidence of pathogenicity. (I) 0905 - No published segregation evidence has been identified for this variant. (I) 1007 - No published functional evidence has been identified for this variant. (I) 1208 - Inheritance information for this variant is not currently available in this individual. (I) Legend: (SP) - Supporting pathogenic, (I) - Information, (SB) - Supporting benign

Literature cited by the submitters: PubMed 33057194.